The following is an entry in ClinVar:

NM_002880.4(RAF1):c.207+10C>T

Gene: RAF1 (Raf-1 proto-oncogene, serine/threonine kinase; minus strand). Cytogenetic location: 3p25.2.
Variant type: single nucleotide variant.
Coding change: c.207+10C>T on transcript NM_002880.4 (MANE Select); 10 bases into the intron after coding-DNA position 207, C replaced by T.
Molecular consequence: intron variant.
Genome position (GRCh38, 1-based): chr3:12,618,505, G>A on the plus strand (C>T on the coding strand, the complement: RAF1 is on the minus strand). VCF-style: chr3-12618505-G-A. GRCh37 (hg19) VCF-style: chr3-12660004-G-A.
Other names: c.77+10C>T (NM_001354695.3, NM_001354692.3, NM_001354694.3 and 1 more transcripts); c.207+10C>T (NM_001354693.3, NM_001354689.3, NM_001354690.3).
Identifiers: ClinVar variation 918092 (VCV000918092.1), dbSNP rs2059446210, ClinGen allele CA1139657888.

ClinVar aggregate classification (germline): Uncertain significance (1 of 4 stars; one submission).

Submission:

Women's Health and Genetics/Laboratory Corporation of America, LabCorp
Classification: Uncertain significance. Last evaluated: 2020-03-23. Review status: criteria provided, single submitter. Criteria: LabCorp Variant Classification Summary - May 2015. Collection method: clinical testing. Allele origin: germline.
Comment: Variant summary: RAF1 c.207+10C>T alters a non-conserved nucleotide located close to a canonical splice site and therefore could affect mRNA splicing, leading to a significantly altered protein sequence. 4/4 computational tools predict no significant impact on normal splicing. However, these predictions have yet to be confirmed by functional studies. The variant was absent in 251164 control chromosomes. The available data on variant occurrences in the general population are insufficient to allow any conclusion about variant significance. To our knowledge, no occurrence of c.207+10C>T in individuals affected with Noonan Syndrome and Related Conditions and no experimental evidence demonstrating its impact on protein function have been reported. No clinical diagnostic laboratories have submitted clinical-significance assessments for this variant to ClinVar after 2014. Based on the evidence outlined above, the variant was classified as uncertain significance.